The following is an entry in ClinVar:

NM_152594.3(SPRED1):c.958dup (p.Ile320fs)

Gene: SPRED1 (sprouty related EVH1 domain containing 1; plus strand). Cytogenetic location: 15q14.
Variant type: Duplication.
Coding change: c.958dup on transcript NM_152594.3 (MANE Select); coding-DNA position 958, one base duplicated (A; older notation c.958dupA).
Protein change: p.Ile320fs; shifts the reading frame from isoleucine 320.
Molecular consequence: frameshift variant.
Genome position (GRCh38, 1-based): chr15:38,351,287, A duplicated; the last of 5 consecutive A bases (chr15:38,351,283-38,351,287); duplicating any one gives the same sequence. VCF-style (leftmost placement, unchanged base first): chr15-38351282-T-TA. GRCh37 (hg19) VCF-style: chr15-38643483-T-TA.
Other names: short protein forms I320fs.
Identifiers: ClinVar variation 1709825 (VCV001709825.2), dbSNP rs2542743206, ClinGen allele CA2580089329.

ClinVar aggregate classification (germline): Likely pathogenic (1 of 4 stars; one submission).

Conditions:
Legius syndrome. Identifiers: Orphanet 137605, MedGen C1969623, MONDO:0012669, OMIM 611431. Disease mechanism: loss of function.

Submission:

MGZ Medical Genetics Center
Classification: Likely pathogenic for Legius syndrome. Last evaluated: 2021-07-16. Review status: criteria provided, single submitter. Criteria: ACMG Guidelines, 2015. Collection method: clinical testing. Allele origin: germline. Affected: yes. Observed: 1 variant allele.
Comment: ACMG criteria applied: PVS1, PM2_SUP